The following is an entry in ClinVar:

ClinVar aggregate classification (germline): Uncertain significance (1 of 4 stars; one submission).

Submission:

Ambry Genetics
Classification: Uncertain significance. Last evaluated: 2026-05-14. Review status: criteria provided, single submitter. Criteria: Ambry Variant Classification Scheme 2023. Collection method: clinical testing. Allele origin: germline.
Comment: The p.G345R variant (also known as c.1033G>A), located in coding exon 5 of the PALLD gene, results from a G to A substitution at nucleotide position 1033. The glycine at codon 345 is replaced by arginine, an amino acid with dissimilar properties. This amino acid position is conserved. In addition, this alteration is predicted to be deleterious by in silico analysis. Based on the available evidence, the clinical significance of this variant remains unclear.

NM_001166108.2(PALLD):c.2545G>A (p.Gly849Arg)

Genes: CBR4 (carbonyl reductase 4; minus strand), PALLD (palladin, cytoskeletal associated protein; plus strand). Cytogenetic location: 4q32.3.
Variant type: single nucleotide variant.
Coding change: c.2545G>A on transcript NM_001166108.2 (MANE Select); coding-DNA position 2545, G replaced by A.
Protein change: p.Gly849Arg; replaces glycine 849 with arginine.
Molecular consequence: missense variant.
Genome position (GRCh38, 1-based): chr4:168,903,829, G>A. VCF-style: chr4-168903829-G-A. GRCh37 (hg19) VCF-style: chr4-169824980-G-A.
Other names: c.1348G>A, p.Gly450Arg (NM_001166109.2); c.1033G>A, p.Gly345Arg (NM_001166110.2); c.373G>A, p.Gly125Arg (NM_001367567.1, NM_001367569.1); c.424G>A, p.Gly142Arg (NM_001367568.1, NM_001367570.1); c.2494G>A, p.Gly832Arg (NM_016081.4); short protein forms G125R, G142R, G345R, G450R, G832R, G849R.
Identifiers: ClinVar variation 4861552 (VCV004861552.1).
Genomic context (GRCh38, chr4:168,903,829, plus strand): 5'-AAAGATGGGAAGCAGATCTCTCCAAAGAGTGATCACTACACCATTCAAAGAGATCTCGAT[G>A]GGACCTGCTCCCTCCATACCACAGCCTCCACCCTAGATGATGATGGGAATTATACAATTA-3'
Protein context (NP_001159580.1, residues 839-859): DHYTIQRDLD[Gly849Arg]TCSLHTTAST